The following is an entry in ClinVar:

ClinVar aggregate classification (germline): Uncertain significance. Review status: criteria provided, multiple submitters, no conflicts (2 of 4 stars). 8 submissions from 8 submitters: Uncertain significance (8). Last evaluated 2026-01-06.

Conditions:
Cardiovascular phenotype. Identifiers: MedGen CN230736.
Cardiomyopathy (CMYO). Also called: Cardiomyopathies. Identifiers: Orphanet 167848, MedGen C0878544, MONDO:0004994, HP:0001638. Inheritance: Various modes of inheritance.
Catecholaminergic polymorphic ventricular tachycardia (CVPT). Also called: Catecholamine-induced polymorphic ventricular tachycardia. Identifiers: Orphanet 3286, MedGen C5574922, MONDO:0017990.
Catecholaminergic polymorphic ventricular tachycardia 1. Also called: RYR2-Related Catecholaminergic Polymorphic Ventricular Tachycardia; VENTRICULAR TACHYCARDIA, CATECHOLAMINERGIC POLYMORPHIC, 1, WITH OR WITHOUT ATRIAL DYSFUNCTION AND/OR DILATED CARDIOMYOPATHY; VENTRICULAR TACHYCARDIA, STRESS-INDUCED POLYMORPHIC 1. Identifiers: Orphanet 3286, MedGen C1631597, MONDO:0011484, OMIM 604772.

Allele frequency attached by ClinVar (database versions not stated): TOPMed 0.00007; ESP Exome Variant Server 0.00008.
gnomAD v4.1: 121 of 1,595,234 alleles (0.0076%); highest among the groups gnomAD compares: Non-Finnish European, 0.0098%; no homozygotes.

Submissions (8):

Labcorp Genetics (formerly Invitae), Labcorp
Classification: Uncertain significance for Catecholaminergic polymorphic ventricular tachycardia 1. Last evaluated: 2026-01-06. Review status: criteria provided, single submitter. Criteria: Invitae Variant Classification Sherloc (09022015). Collection method: clinical testing. Allele origin: germline.
Comment: This sequence change replaces arginine, which is basic and polar, with serine, which is neutral and polar, at codon 3510 of the RYR2 protein (p.Arg3510Ser). This variant is present in population databases (rs201749277, gnomAD 0.007%). This missense change has been observed in individual(s) with arrhythmia and/or sudden unexplained death (PMID: 29247119, 29396561, 32508047). ClinVar contains an entry for this variant (Variation ID: 201302). Invitae Evidence Modeling of protein sequence and biophysical properties (such as structural, functional, and spatial information, amino acid conservation, physicochemical variation, residue mobility, and thermodynamic stability) indicates that this missense variant is not expected to disrupt RYR2 protein function with a negative predictive value of 95%. In summary, the available evidence is currently insufficient to determine the role of this variant in disease. Therefore, it has been classified as a Variant of Uncertain Significance.

All of Us Research Program, National Institutes of Health
Classification: Uncertain significance for Catecholaminergic polymorphic ventricular tachycardia. Last evaluated: 2024-09-27. Review status: criteria provided, single submitter. Criteria: ACMG Guidelines, 2015. Collection method: clinical testing. Allele origin: germline. Inheritance: Autosomal dominant inheritance. Observed: 23 variant alleles, 23 heterozygotes.
Comment: This missense variant replaces arginine with serine at codon 3510 of the RYR2 protein. Computational prediction is inconclusive regarding the impact of this variant on protein structure and function (internally defined REVEL score threshold 0.5 < inconclusive < 0.7, PMID: 27666373). To our knowledge, functional studies have not been reported for this variant. This variant has been reported in two individuals affected with atrioventricular nodal reentrant tachycardia (PMID: 29396561, 32508047) and in an individual affected with sudden unexplained death (PMID: 29247119). This variant has also been identified in 12/279572 chromosomes in the general population by the Genome Aggregation Database (gnomAD). The available evidence is insufficient to determine the role of this variant in disease conclusively. Therefore, this variant is classified as a Variant of Uncertain Significance.

This study involves interpretation of variants in research participants for the purpose of population health screening. Participant phenotype was not available at the time of variant classification. Additional details can be found in publication PMID: 35346344, PMCID: PMC8962531

Color Diagnostics, LLC DBA Color Health
Classification: Uncertain significance for Cardiomyopathy. Last evaluated: 2024-03-06. Review status: criteria provided, single submitter. Criteria: ACMG Guidelines, 2015. Collection method: clinical testing. Allele origin: germline.
Comment: This missense variant replaces arginine with serine at codon 3510 of the RYR2 protein. Computational prediction is inconclusive regarding the impact of this variant on protein structure and function (internally defined REVEL score threshold 0.5 < inconclusive < 0.7, PMID: 27666373). To our knowledge, functional studies have not been reported for this variant. This variant has been reported in two individuals affected with atrioventricular nodal reentry tachycardia (PMID: 29396561, 32508047) and in an individual affected with sudden unexplained death (PMID: 29247119). This variant has also been identified in 12/279572 chromosomes in the general population by the Genome Aggregation Database (gnomAD). The available evidence is insufficient to determine the role of this variant in disease conclusively. Therefore, this variant is classified as a Variant of Uncertain Significance.

Ambry Genetics
Classification: Uncertain significance for Cardiovascular phenotype. Last evaluated: 2022-06-04. Review status: criteria provided, single submitter. Criteria: Ambry Variant Classification Scheme 2023. Collection method: clinical testing. Allele origin: germline.

Women's Health and Genetics/Laboratory Corporation of America, LabCorp
Classification: Uncertain significance. Last evaluated: 2021-07-27. Review status: criteria provided, single submitter. Criteria: LabCorp Variant Classification Summary - May 2015. Collection method: clinical testing. Allele origin: germline.
Comment: Variant summary: RYR2 c.10528C>A (p.Arg3510Ser) results in a non-conservative amino acid change in the encoded protein sequence. Three of five in-silico tools predict a damaging effect of the variant on protein function. The variant allele was found at a frequency of 3.2e-05 in 248194 control chromosomes. The available data on variant occurrences in the general population are insufficient to allow any conclusion about variant significance. c.10528C>A has been reported in the literature in individuals affected with Catecholaminergic Polymorphic Ventricular Tachycardia or related diseases (Landstrom_2017, Lin_2017, Luo_2020). These reports do not provide unequivocal conclusions about association of the variant with Catecholaminergic Polymorphic Ventricular Tachycardia. To our knowledge, no experimental evidence demonstrating an impact on protein function has been reported. Five clinical diagnostic laboratories have submitted clinical-significance assessments for this variant to ClinVar after 2014 without evidence for independent evaluation. All laboratories classified the variant as uncertain significance. Based on the evidence outlined above, the variant was classified as uncertain significance.

GeneDx
Classification: Uncertain significance. Last evaluated: 2017-09-08. Review status: criteria provided, single submitter. Criteria: GeneDx Variant Classification (06012015). Collection method: clinical testing. Allele origin: germline. Affected: yes.
Comment: A variant of uncertain significance has been identified in the RYR2 gene. The R3510S variant has been reported in at least one heterozygous individual from a cohort of patients referred for clinical whole exome sequencing (Landstrom et al., 2017); however, specific details regarding the indication for genetic testing or the patient's clinical phenotype were not described. This variant has been observed in two other individuals referred for cardiomyopathy genetic testing at GeneDx, although one of these individuals harbored additional cardiogenetic variants, including a pathogenic variant in a different gene, and no segregation data are available for either case observed at GeneDx. Additionally, this variant has been observed 4/66204 (0.006%) alleles from individuals of Non-Finnish European ancestry in large population cohorts (Lek et al., 2016; 1000 Genomes Consortium et al., 2015; Exome Variant Server). The R3510S variant is a semi-conservative amino acid substitution, which may impact secondary protein structure as these residues differ in some properties. This substitution occurs at a position that is conserved in mammals and in silico analysis predicts this variant is probably damaging to the protein structure/function. Nevertheless, R3510S is not located in one of the three hot-spot regions of the RYR2 gene, where the majority of pathogenic missense variants occur (Medeiros-Domingo et al., 2009).

CHEO Genetics Diagnostic Laboratory, Children's Hospital of Eastern Ontario
Classification: Uncertain significance for Cardiomyopathy. Last evaluated: 2017-05-31. Review status: criteria provided, single submitter. Criteria: ACMG Guidelines, 2015. Collection method: clinical testing. Allele origin: germline. Study: Canadian Open Genetics Repository.

Laboratory for Molecular Medicine, Mass General Brigham Personalized Medicine
Classification: Uncertain significance. Last evaluated: 2015-02-19. Review status: criteria provided, single submitter. Criteria: LMM Criteria. Collection method: clinical testing. Allele origin: germline. Observed: 1 variant allele.
Comment: The p.Arg3510Ser variant in RYR2 has not been previously reported in individuals with cardiomyopathy, but has been identified in 4/67128 European chromosomes by the Exome Aggregation Consortium (ExAC; dbSNP r s201749277). Computational prediction tools and conservation analysis do not pro vide strong support for or against an impact to the protein. In summary, the cli nical significance of the p.Arg3510Ser variant is uncertain.

Literature cited by the submitters: PubMed 29247119 (cited by 4 submitters); PubMed 29396561 (cited by 3 submitters); PubMed 32508047 (cited by 4 submitters); PubMed 28404607 (cited by Women's Health and Genetics/Laboratory Corporation of America, LabCorp).

NM_001035.3(RYR2):c.10528C>A (p.Arg3510Ser)

Gene: RYR2 (ryanodine receptor 2; plus strand). Cytogenetic location: 1q43.
Variant type: single nucleotide variant.
Coding change: c.10528C>A on transcript NM_001035.3 (MANE Select); coding-DNA position 10528, C replaced by A.
Protein change: p.Arg3510Ser; replaces arginine 3510 with serine.
Molecular consequence: missense variant.
Genome position (GRCh38, 1-based): chr1:237,718,495, C>A. VCF-style: chr1-237718495-C-A. GRCh37 (hg19) VCF-style: chr1-237881795-C-A.
Other names: p.R3510S:CGC>AGC; short protein forms R3510S.
Identifiers: ClinVar variation 201302 (VCV000201302.24), dbSNP rs201749277, ClinGen allele CA006669.